The following is an entry in ClinVar:

NM_001184.4(ATR):c.5549A>T (p.Tyr1850Phe)

Gene: ATR (ATR checkpoint kinase; minus strand). Cytogenetic location: 3q23.
Variant type: single nucleotide variant.
Coding change: c.5549A>T on transcript NM_001184.4 (MANE Select); coding-DNA position 5549, A replaced by T.
Protein change: p.Tyr1850Phe; replaces tyrosine 1850 with phenylalanine.
Molecular consequence: missense variant.
Genome position (GRCh38, 1-based): chr3:142,498,606, T>A on the plus strand (A>T on the coding strand, the complement: ATR is on the minus strand). VCF-style: chr3-142498606-T-A. GRCh37 (hg19) VCF-style: chr3-142217448-T-A.
Other names: c.5357A>T, p.Tyr1786Phe (NM_001354579.2); short protein forms Y1786F, Y1850F.
Identifiers: ClinVar variation 3221213 (VCV003221213.1), dbSNP rs2108340552, ClinGen allele CA354815349.

ClinVar aggregate classification (germline): Uncertain significance (1 of 4 stars; one submission).

Conditions:
Inborn genetic diseases. Identifiers: MedGen C0950123, MeSH D030342.

Submission:

Ambry Genetics
Classification: Uncertain significance for Inborn genetic diseases. Last evaluated: 2023-12-20. Review status: criteria provided, single submitter. Criteria: Ambry Variant Classification Scheme 2023. Collection method: clinical testing. Allele origin: germline.
Comment: The p.Y1850F variant (also known as c.5549A>T), located in coding exon 32 of the ATR gene, results from an A to T substitution at nucleotide position 5549. The tyrosine at codon 1850 is replaced by phenylalanine, an amino acid with highly similar properties. This amino acid position is conserved. In addition, this alteration is predicted to be tolerated by in silico analysis. Since supporting evidence is limited at this time, the clinical significance of this alteration remains unclear.